The following is an entry in ClinVar:

NM_213599.3(ANO5):c.684A>G (p.Ile228Met)

Gene: ANO5 (anoctamin 5; plus strand). Cytogenetic location: 11p14.3.
Variant type: single nucleotide variant.
Coding change: c.684A>G on transcript NM_213599.3 (MANE Select); coding-DNA position 684, A replaced by G.
Protein change: p.Ile228Met; replaces isoleucine 228 with methionine.
Molecular consequence: missense variant.
Genome position (GRCh38, 1-based): chr11:22,236,198, A>G. VCF-style: chr11-22236198-A-G. GRCh37 (hg19) VCF-style: chr11-22257744-A-G.
Other names: c.681A>G, p.Ile227Met (NM_001142649.2); c.642A>G, p.Ile214Met (NM_001410963.1); c.639A>G, p.Ile213Met (NM_001410964.1); short protein forms I213M, I214M, I227M, I228M.
Identifiers: ClinVar variation 3761496 (VCV003761496.2).

ClinVar aggregate classification (germline): Uncertain significance (1 of 4 stars; one submission).

Conditions:
Gnathodiaphyseal dysplasia (GDD). Also called: GNATHODIAPHYSEAL SCLEROSIS; OSTEOGENESIS IMPERFECTA WITH UNUSUAL SKELETAL LESIONS. Identifiers: Orphanet 53697, MedGen C1833736, MONDO:0008151, OMIM 166260.
Autosomal recessive limb-girdle muscular dystrophy type 2L (LGMDR12). Also called: Limb-girdle muscular dystrophy, type 2L; MUSCULAR DYSTROPHY, LIMB-GIRDLE, AUTOSOMAL RECESSIVE 12; Limb-Girdle Muscular Dystrophy R12 Anoctamin-5-Related (LGMD-R12). Identifiers: Orphanet 206549, MedGen C1969785, MONDO:0012652, OMIM 611307.

Submission:

Labcorp Genetics (formerly Invitae), Labcorp
Classification: Uncertain significance for Autosomal recessive limb-girdle muscular dystrophy type 2L; Gnathodiaphyseal dysplasia. Last evaluated: 2025-05-08. Review status: criteria provided, single submitter. Criteria: Invitae Variant Classification Sherloc (09022015). Collection method: clinical testing. Allele origin: germline.
Comment: This sequence change replaces isoleucine, which is neutral and non-polar, with methionine, which is neutral and non-polar, at codon 228 of the ANO5 protein (p.Ile228Met). This variant is not present in population databases (gnomAD no frequency). This variant has not been reported in the literature in individuals affected with ANO5-related conditions. ClinVar contains an entry for this variant (Variation ID: 3761496). Invitae Evidence Modeling of protein sequence and biophysical properties (such as structural, functional, and spatial information, amino acid conservation, physicochemical variation, residue mobility, and thermodynamic stability) indicates that this missense variant is not expected to disrupt ANO5 protein function with a negative predictive value of 80%. In summary, the available evidence is currently insufficient to determine the role of this variant in disease. Therefore, it has been classified as a Variant of Uncertain Significance.